The following is an entry in ClinVar:

NM_001367805.3(KIF23):c.1511A>G (p.Asp504Gly)

Gene: KIF23 (kinesin family member 23; plus strand). Cytogenetic location: 15q23.
Variant type: single nucleotide variant.
Coding change: c.1511A>G on transcript NM_001367805.3 (MANE Select); coding-DNA position 1511, A replaced by G.
Protein change: p.Asp504Gly; replaces aspartic acid 504 with glycine.
Molecular consequence: missense variant. On other transcripts: non-coding transcript variant (2).
Genome position (GRCh38, 1-based): chr15:69,436,636, A>G. VCF-style: chr15-69436636-A-G. GRCh37 (hg19) VCF-style: chr15-69728975-A-G.
Other names: c.1139A>G, p.Asp380Gly (NM_001281301.2); c.1469A>G, p.Asp490Gly (NM_001367804.2, NM_004856.7, NM_138555.4); short protein forms D380G, D504G, D490G.
Identifiers: ClinVar variation 2974983 (VCV002974983.3), dbSNP rs2505060239, ClinGen allele CA393007713.
Genomic context (GRCh38, chr15:69,436,636, plus strand): 5'-CTGACGTGGTTTTGCAGAGTTTTCCACCTTTGCCATCATGCGAAATTTTGGATATCAACG[A>G]TGAGCAGACACTTCCAAGGCTGATTGAAGCCTTAGAGAAACGACATAACTTACGACAAAT-3'
Protein context (NP_001354734.1, residues 494-514): LPSCEILDIN[Asp504Gly]EQTLPRLIEA

ClinVar aggregate classification (germline): Uncertain significance (1 of 4 stars; one submission).

Allele frequency attached by ClinVar (database versions not stated): gnomAD exomes below 0.00001.
gnomAD v4.1: 5 of 1,612,478 alleles (0.00031%); highest among the groups gnomAD compares: Non-Finnish European, 0.00042%; no homozygotes.

Submission:

Labcorp Genetics (formerly Invitae), Labcorp
Classification: Uncertain significance. Last evaluated: 2023-12-25. Review status: criteria provided, single submitter. Criteria: Invitae Variant Classification Sherloc (09022015). Collection method: clinical testing. Allele origin: germline.
Comment: This sequence change replaces aspartic acid, which is acidic and polar, with glycine, which is neutral and non-polar, at codon 490 of the KIF23 protein (p.Asp490Gly). This variant is not present in population databases (gnomAD no frequency). This variant has not been reported in the literature in individuals affected with KIF23-related conditions. Advanced modeling of protein sequence and biophysical properties (such as structural, functional, and spatial information, amino acid conservation, physicochemical variation, residue mobility, and thermodynamic stability) performed at Invitae indicates that this missense variant is expected to disrupt KIF23 protein function with a positive predictive value of 80%. In summary, the available evidence is currently insufficient to determine the role of this variant in disease. Therefore, it has been classified as a Variant of Uncertain Significance.